The following is an entry in ClinVar:

NM_000038.6(APC):c.6833T>A (p.Val2278Glu)

Gene: APC (APC regulator of Wnt signaling pathway; plus strand). Cytogenetic location: 5q22.2.
Variant type: single nucleotide variant.
Coding change: c.6833T>A on transcript NM_000038.6 (MANE Select); coding-DNA position 6833, T replaced by A.
Protein change: p.Val2278Glu; replaces valine 2278 with glutamic acid.
Molecular consequence: missense variant. On other transcripts: non-coding transcript variant (2).
Genome position (GRCh38, 1-based): chr5:112,842,427, T>A. VCF-style: chr5-112842427-T-A. GRCh37 (hg19) VCF-style: chr5-112178124-T-A.
Other names: c.6833T>A, p.Val2278Glu (NM_001127510.3, NM_001354895.2, NM_001407450.1); c.6779T>A, p.Val2260Glu (NM_001127511.3); c.6887T>A, p.Val2296Glu (NM_001354896.2, NM_001407447.1, NM_001407448.1 and 1 more transcripts); c.6863T>A, p.Val2288Glu (NM_001354897.2); c.6758T>A, p.Val2253Glu (NM_001354898.2); c.6749T>A, p.Val2250Glu (NM_001354899.2); c.6710T>A, p.Val2237Glu (NM_001354900.2); c.6656T>A, p.Val2219Glu (NM_001354901.2, NM_001407453.1); and 11 more; short protein forms V2219E, V2250E, V2271E, V2278E, V2296E, V2187E, V2195E, V2260E.
Identifiers: ClinVar variation 2452752 (VCV002452752.2), dbSNP rs2149974291, ClinGen allele CA16036247.

ClinVar aggregate classification (germline): Uncertain significance (1 of 4 stars; one submission).

Conditions:
Hereditary cancer-predisposing syndrome. Also called: Neoplastic Syndromes, Hereditary; Tumor predisposition; Hereditary neoplastic syndrome; Hereditary Cancer Syndrome. Identifiers: Orphanet 140162, MedGen C0027672, MeSH D009386, MONDO:0015356.

Submission:

Ambry Genetics
Classification: Uncertain significance for Hereditary cancer-predisposing syndrome. Last evaluated: 2023-02-17. Review status: criteria provided, single submitter. Criteria: Ambry Variant Classification Scheme 2023. Collection method: clinical testing. Allele origin: germline.
Comment: The p.V2278E variant (also known as c.6833T>A), located in coding exon 15 of the APC gene, results from a T to A substitution at nucleotide position 6833. The valine at codon 2278 is replaced by glutamic acid, an amino acid with dissimilar properties. This amino acid position is conserved. In addition, in silico predictors for this gene do not accurately predict pathogenicity. Since supporting evidence is limited at this time, the clinical significance of this alteration remains unclear.